The following is an entry in ClinVar:

ClinVar aggregate classification (germline): Benign/Likely benign. Review status: criteria provided, multiple submitters, no conflicts (2 of 4 stars). 9 submissions from 9 submitters: Benign (2); Likely benign (5). 2 of the submissions do not count toward it. Last evaluated 2026-09-01.

Conditions:
Charcot-Marie-Tooth disease type 4B3. Also called: Charcot-Marie-Tooth Neuropathy Type 4B3; CHARCOT-MARIE-TOOTH DISEASE, DEMYELINATING, TYPE 4B3. Identifiers: Orphanet 363981, MedGen C3695063, MONDO:0014117, OMIM 615284.

Allele frequency attached by ClinVar (database versions not stated): gnomAD exomes 0.00175; gnomAD 0.00179 and 0.00188; TOPMed 0.00187; ExAC 0.00213; ESP Exome Variant Server 0.00241.
gnomAD v4.1: 3,983 of 1,612,560 alleles (0.25%); highest among the groups gnomAD compares: Non-Finnish European, 0.32%; 8 homozygotes.

Submissions (9):

CeGaT Center for Human Genetics Tuebingen
Classification: Likely benign. Last evaluated: 2026-09-01. Review status: criteria provided, single submitter. Criteria: CeGaT Center For Human Genetics Tuebingen Variant Classification Criteria Version 2. Collection method: clinical testing. Allele origin: germline. Affected: yes. Observed: 16 variant alleles.
Comment: SBF1: BP4, BP7

Labcorp Genetics (formerly Invitae), Labcorp
Classification: Benign. Last evaluated: 2026-01-26. Review status: criteria provided, single submitter. Criteria: Invitae Variant Classification Sherloc (09022015). Collection method: clinical testing. Allele origin: germline.

Mayo Clinic Laboratories, Mayo Clinic
Classification: Likely benign. Last evaluated: 2025-07-31. Review status: criteria provided, single submitter. Criteria: ACMG Guidelines, 2015. Collection method: clinical testing. Allele origin: germline. Observed: 16 variant alleles.
Comment: BP4, BP7

Women's Health and Genetics/Laboratory Corporation of America, LabCorp
Classification: Benign. Last evaluated: 2025-04-16. Review status: criteria provided, single submitter. Criteria: LabCorp Variant Classification Summary - May 2015. Collection method: clinical testing. Allele origin: germline.

Blueprint Genetics
Classification: Likely benign. Last evaluated: 2024-11-26. Review status: criteria provided, single submitter. Criteria: ACMG Guidelines, 2015. Collection method: clinical testing. Allele origin: germline.

ARUP Laboratories, Molecular Genetics and Genomics, ARUP Laboratories
Classification: Likely benign for Charcot-Marie-Tooth disease type 4B3. Last evaluated: 2024-10-07. Review status: criteria provided, single submitter. Criteria: ARUP Molecular Germline Variant Investigation Process 2024. Collection method: clinical testing. Allele origin: germline.

GeneDx
Classification: Likely benign. Last evaluated: 2021-06-17. Review status: criteria provided, single submitter. Criteria: GeneDx Variant Classification Process June 2021. Collection method: clinical testing. Allele origin: germline. Affected: yes.

Clinical Genetics, Academic Medical Center
Classification: Benign. Review status: no assertion criteria provided. Collection method: clinical testing. Allele origin: germline. Affected: yes. Study: VKGL Data-share Consensus. Not counted in ClinVar's aggregate classification.

Genome Diagnostics Laboratory, University Medical Center Utrecht
Classification: Likely benign. Review status: no assertion criteria provided. Collection method: clinical testing. Allele origin: germline. Affected: yes. Study: VKGL Data-share Consensus. Not counted in ClinVar's aggregate classification.

NM_002972.4(SBF1):c.2079C>T (p.His693=)

Gene: SBF1 (SET binding factor 1; minus strand). Cytogenetic location: 22q13.33.
Variant type: single nucleotide variant.
Coding change: c.2079C>T on transcript NM_002972.4 (MANE Select); coding-DNA position 2079, C replaced by T.
Protein change: p.His693=; no amino-acid change (histidine 693 retained).
Molecular consequence: synonymous variant.
Genome position (GRCh38, 1-based): chr22:50,462,607, G>A on the plus strand (C>T on the coding strand, the complement: SBF1 is on the minus strand). VCF-style: chr22-50462607-G-A. GRCh37 (hg19) VCF-style: chr22-50901036-G-A.
Other names: p.His693=; c.2082C>T, p.His694= (NM_001365819.1).
Identifiers: ClinVar variation 774363 (VCV000774363.53), dbSNP rs199672732, ClinGen allele CA10317375.
Genomic context (GRCh38, chr22:50,462,607, plus strand): 5'-GTCCCTGCGCACCTGGGCGGGGGCCAGGTCCTCCGTGGGCTCCAGGTAGAGGGCCCGGAT[G>A]TGAGTCTGCACATCCCCATAGAACATGGCCTCCCAGAACTGTGGCGTGCTCCACACCACG-3'
Protein context (NP_002963.2, residues 683-703): EAMFYGDVQT[His693=]IRALYLEPTE